The following is an entry in ClinVar:

ClinVar aggregate classification (germline): Benign/Likely benign. Review status: criteria provided, multiple submitters, no conflicts (2 of 4 stars). 4 submissions from 4 submitters: Benign (1); Likely benign (3). Last evaluated 2025-08-31.

Conditions:
Hereditary cancer-predisposing syndrome. Also called: Hereditary neoplastic syndrome; Neoplastic Syndromes, Hereditary; Tumor predisposition; Hereditary Cancer Syndrome. Identifiers: Orphanet 140162, MedGen C0027672, MeSH D009386, MONDO:0015356.
Oligodontia-cancer predisposition syndrome. Also called: TOOTH AGENESIS-COLORECTAL CANCER SYNDROME. Identifiers: Orphanet 300576, MedGen C1837750, MONDO:0012075, OMIM 608615. Disease mechanism: loss of function.

Allele frequency attached by ClinVar (database versions not stated): gnomAD exomes below 0.00001; TOPMed 0.00002.
gnomAD v4.1: 1 of 1,614,128 alleles (0.000062%); highest among the groups gnomAD compares: African/African-American, 0.0013%; no homozygotes.

Submissions (4):

Labcorp Genetics (formerly Invitae), Labcorp
Classification: Likely benign for Oligodontia-cancer predisposition syndrome. Last evaluated: 2025-08-31. Review status: criteria provided, single submitter. Criteria: Invitae Variant Classification Sherloc (09022015). Collection method: clinical testing. Allele origin: germline.

CeGaT Center for Human Genetics Tuebingen
Classification: Likely benign. Last evaluated: 2025-06-01. Review status: criteria provided, single submitter. Criteria: CeGaT Center For Human Genetics Tuebingen Variant Classification Criteria Version 2. Collection method: clinical testing. Allele origin: germline. Affected: yes. Observed: 1 variant allele.
Comment: AXIN2: BP4, BP7

Myriad Genetics, Inc.
Classification: Benign for Oligodontia-cancer predisposition syndrome. Last evaluated: 2024-07-05. Review status: criteria provided, single submitter. Criteria: Myriad Autosomal Dominant, Autosomal Recessive and X-Linked Classification Criteria (2023). Collection method: clinical testing. Allele origin: unknown.
Comment: This variant is considered benign. This variant is a silent/synonymous amino acid change and it is not expected to impact splicing.

Ambry Genetics
Classification: Likely benign for Hereditary cancer-predisposing syndrome. Last evaluated: 2020-06-11. Review status: criteria provided, single submitter. Criteria: Ambry Variant Classification Scheme 2023. Collection method: clinical testing. Allele origin: germline.

NM_004655.4(AXIN2):c.1686G>A (p.Pro562=)

Gene: AXIN2 (axin 2; minus strand). Cytogenetic location: 17q24.1.
Variant type: single nucleotide variant.
Coding change: c.1686G>A on transcript NM_004655.4 (MANE Select); coding-DNA position 1686, G replaced by A.
Protein change: p.Pro562=; no amino-acid change (proline 562 retained).
Molecular consequence: synonymous variant.
Genome position (GRCh38, 1-based): chr17:65,537,350, C>T on the plus strand (G>A on the coding strand, the complement: AXIN2 is on the minus strand). VCF-style: chr17-65537350-C-T. GRCh37 (hg19) VCF-style: chr17-63533468-C-T.
Other names: c.1686G>A, p.Pro562= (NM_001363813.1).
Identifiers: ClinVar variation 1778016 (VCV001778016.18), dbSNP rs969426606, ClinGen allele CA293098161.